The following is an entry in ClinVar:

NM_001377540.1(SLMAP):c.633_641dup (p.Leu213_Leu214insPheArgLeu)

Gene: SLMAP (sarcolemma associated protein; plus strand). Cytogenetic location: 3p14.3.
Variant type: Duplication.
Coding change: c.633_641dup on transcript NM_001377540.1 (MANE Select); coding-DNA positions 633 to 641, 9 bases duplicated (TAGACTCTT; older notation c.633_641dupTAGACTCTT).
Protein change: p.Leu213_Leu214insPheArgLeu.
Molecular consequence: non-coding transcript variant (on NR_165328.1).
Genome position (GRCh38, 1-based): chr3:57,858,105-57,858,113, TAGACTCTT duplicated. VCF-style (leftmost placement, unchanged base first): chr3-57858104-A-ATAGACTCTT. GRCh37 (hg19) VCF-style: chr3-57843831-A-ATAGACTCTT.
Other names: c.633_641dup, p.Leu213_Leu214insPheArgLeu (NM_001304420.3, NM_001304421.2, NM_001377538.1 and 17 more transcripts).
Identifiers: ClinVar variation 3645740 (VCV003645740.2).

ClinVar aggregate classification (germline): Uncertain significance (1 of 4 stars; one submission).

Conditions:
Brugada syndrome. Also called: Sudden unexpected nocturnal death syndrome; Sudden Unexplained Death Syndrome; Sudden Unexplained Nocturnal Death Syndrome (SUNDS); Sudden unexplained nocturnal death syndrome. Identifiers: Orphanet 130, MedGen C1142166, MONDO:0015263.

Submission:

Labcorp Genetics (formerly Invitae), Labcorp
Classification: Uncertain significance for Brugada syndrome. Last evaluated: 2024-03-13. Review status: criteria provided, single submitter. Criteria: Invitae Variant Classification Sherloc (09022015). Collection method: clinical testing. Allele origin: germline.
Comment: This variant, c.633_641dup, results in the insertion of 3 amino acid(s) of the SLMAP protein (p.Leu213_Leu214insPheArgLeu), but otherwise preserves the integrity of the reading frame. This variant is not present in population databases (gnomAD no frequency). This variant has not been reported in the literature in individuals affected with SLMAP-related conditions. In summary, the available evidence is currently insufficient to determine the role of this variant in disease. Therefore, it has been classified as a Variant of Uncertain Significance.